The following is an entry in ClinVar:

NM_014679.5(CEP57):c.1064G>C (p.Gly355Ala)

Gene: CEP57 (centrosomal protein 57; plus strand). Cytogenetic location: 11q21.
Variant type: single nucleotide variant.
Coding change: c.1064G>C on transcript NM_014679.5 (MANE Select); coding-DNA position 1064, G replaced by C.
Protein change: p.Gly355Ala; replaces glycine 355 with alanine.
Molecular consequence: missense variant.
Genome position (GRCh38, 1-based): chr11:95,827,964, G>C. VCF-style: chr11-95827964-G-C. GRCh37 (hg19) VCF-style: chr11-95561128-G-C.
Other names: c.1037G>C, p.Gly346Ala (NM_001243776.2); c.986G>C, p.Gly329Ala (NM_001243777.2); c.983G>C, p.Gly328Ala (NM_001363604.2); short protein forms G328A, G346A, G355A, G329A.
Identifiers: ClinVar variation 3831935 (VCV003831935.2).

ClinVar aggregate classification (germline): Uncertain significance. Review status: criteria provided, multiple submitters, no conflicts (2 of 4 stars). 2 submissions from 2 submitters: Uncertain significance (2). Last evaluated 2025-05-24.

Conditions:
Inborn genetic diseases. Identifiers: MedGen C0950123, MeSH D030342.

gnomAD v4.1: 14 of 1,613,844 alleles (0.00087%); highest among the groups gnomAD compares: African/African-American, 0.017%; no homozygotes.

Submissions (2):

GeneDx
Classification: Uncertain significance. Last evaluated: 2025-05-24. Review status: criteria provided, single submitter. Criteria: GeneDx Variant Classification Process June 2021. Collection method: clinical testing. Allele origin: germline. Affected: yes.
Comment: In silico analysis suggests that this missense variant does not alter protein structure/function; Has not been previously published as pathogenic or benign to our knowledge

Ambry Genetics
Classification: Uncertain significance for Inborn genetic diseases. Last evaluated: 2024-12-15. Review status: criteria provided, single submitter. Criteria: Ambry Variant Classification Scheme 2023. Collection method: clinical testing. Allele origin: germline.
Comment: The p.G355A variant (also known as c.1064G>C), located in coding exon 9 of the CEP57 gene, results from a G to C substitution at nucleotide position 1064. The glycine at codon 355 is replaced by alanine, an amino acid with similar properties. This amino acid position is conserved. In addition, this alteration is predicted to be tolerated by in silico analysis. Based on the available evidence, the clinical significance of this variant remains unclear.